The following is an entry in ClinVar:

ClinVar aggregate classification (germline): Uncertain significance (1 of 4 stars; one submission).

Allele frequency attached by ClinVar (database versions not stated): gnomAD exomes below 0.00001; gnomAD 0.00001; TOPMed 0.00001.
gnomAD v4.1: 3 of 1,614,060 alleles (0.00019%); highest among the groups gnomAD compares: African/African-American, 0.004%; no homozygotes.

Submission:

Labcorp Genetics (formerly Invitae), Labcorp
Classification: Uncertain significance. Last evaluated: 2022-03-31. Review status: criteria provided, single submitter. Criteria: Invitae Variant Classification Sherloc (09022015). Collection method: clinical testing. Allele origin: germline.
Comment: In summary, the available evidence is currently insufficient to determine the role of this variant in disease. Therefore, it has been classified as a Variant of Uncertain Significance. Algorithms developed to predict the effect of missense changes on protein structure and function are either unavailable or do not agree on the potential impact of this missense change (SIFT: "Tolerated"; PolyPhen-2: "Probably Damaging"; Align-GVGD: "Class C0"). This variant has not been reported in the literature in individuals affected with PLAA-related conditions. This variant is not present in population databases (gnomAD no frequency). This sequence change replaces asparagine, which is neutral and polar, with serine, which is neutral and polar, at codon 665 of the PLAA protein (p.Asn665Ser).

NM_001031689.3(PLAA):c.1994A>G (p.Asn665Ser)

Gene: PLAA (phospholipase A2 activating protein; minus strand). Cytogenetic location: 9p21.2.
Variant type: single nucleotide variant.
Coding change: c.1994A>G on transcript NM_001031689.3 (MANE Select); coding-DNA position 1994, A replaced by G.
Protein change: p.Asn665Ser; replaces asparagine 665 with serine.
Molecular consequence: missense variant.
Genome position (GRCh38, 1-based): chr9:26,905,905, T>C on the plus strand (A>G on the coding strand, the complement: PLAA is on the minus strand). VCF-style: chr9-26905905-T-C. GRCh37 (hg19) VCF-style: chr9-26905903-T-C.
Other names: c.1925A>G, p.Asn642Ser (NM_001321546.2); short protein forms N642S, N665S.
Identifiers: ClinVar variation 2120060 (VCV002120060.2), dbSNP rs1223597374, ClinGen allele CA373126889.